The following is an entry in ClinVar:

NM_005422.4(TECTA):c.5839C>T (p.Arg1947Cys)

Genes: TBCEL-TECTA (TBCEL-TECTA readthrough; plus strand), TECTA (tectorin alpha; plus strand). Cytogenetic location: 11q23.3.
Variant type: single nucleotide variant.
Coding change: c.5839C>T on transcript NM_005422.4 (MANE Select); coding-DNA position 5839, C replaced by T.
Protein change: p.Arg1947Cys; replaces arginine 1947 with cysteine.
Molecular consequence: missense variant.
Genome position (GRCh38, 1-based): chr11:121,168,765, C>T. VCF-style: chr11-121168765-C-T. GRCh37 (hg19) VCF-style: chr11-121039474-C-T.
Other names: c.6781C>T, p.Arg2261Cys (NM_001378761.1); short protein forms R1947C, R2261C.
Identifiers: ClinVar variation 449555 (VCV000449555.43), dbSNP rs1428598791, ClinGen allele CA383036749.

ClinVar aggregate classification (germline): Conflicting classifications of pathogenicity. Review status: criteria provided, conflicting classifications (1 of 4 stars). 6 submissions from 6 submitters: Pathogenic (1); Likely pathogenic (1); Uncertain significance (4). Last evaluated 2026-06-30.

Conditions:
TECTA-related disorder. Also called: TECTA-related condition.

Allele frequency attached by ClinVar (database versions not stated): gnomAD exomes below 0.00001; TOPMed below 0.00001; gnomAD 0.00001.
gnomAD v4.1: 9 of 1,613,992 alleles (0.00056%); highest among the groups gnomAD compares: East Asian, 0.0022%; no homozygotes.

Submissions (6):

PreventionGenetics, part of Exact Sciences
Classification: Uncertain significance for TECTA-related condition. Last evaluated: 2026-06-30. Review status: criteria provided, single submitter. Criteria: ACMG Guidelines, 2015. Collection method: clinical testing. Allele origin: germline.
Comment: The TECTA c.5839C>T variant is predicted to result in the amino acid substitution p.Arg1947Cys. This variant has previously been reported in an individual with autosomal dominant postlingual mid-frequency nonsyndromic hearing loss (Hildebrand et al. 2011. PubMed ID: 21520338). This variant was also observed in two additional individuals with hearing loss with autosomal recessive and unknown mode of inheritance, however information about presence or absence of second variant was not provided (Table S2, Usami et al. 2021. PubMed ID: 34599366). Internally, this variant was observed in four individual with hearing loss, who did not have other variant explaining hearing loss (Internal data; PreventionGenetics). This variant is reported in 0.0065% of alleles in individuals of European (Non-Finnish) descent in gnomAD. Although we suspect that this variant may be pathogenic, at this time, the clinical significance of this variant is uncertain due to the absence of conclusive functional and genetic evidence.

GeneDx
Classification: Pathogenic. Last evaluated: 2025-10-28. Review status: criteria provided, single submitter. Criteria: GeneDx Variant Classification Process June 2021. Collection method: clinical testing. Allele origin: germline. Affected: yes.
Comment: Not observed at significant frequency in large population cohorts (gnomAD); In silico analysis suggests that this missense variant does not alter protein structure/function; This variant is associated with the following publications: (PMID: 27368438, 21520338, 34599366, 31554319, 9590290, 16718611)

CeGaT Center for Human Genetics Tuebingen
Classification: Uncertain significance. Last evaluated: 2025-04-01. Review status: criteria provided, single submitter. Criteria: CeGaT Center For Human Genetics Tuebingen Variant Classification Criteria Version 2. Collection method: clinical testing. Allele origin: germline. Affected: yes. Observed: 3 variant alleles.
Comment: TECTA: PM2, PS4:Moderate

Labcorp Genetics (formerly Invitae), Labcorp
Classification: Uncertain significance. Last evaluated: 2024-10-15. Review status: criteria provided, single submitter. Criteria: Invitae Variant Classification Sherloc (09022015). Collection method: clinical testing. Allele origin: germline.
Comment: This sequence change replaces arginine, which is basic and polar, with cysteine, which is neutral and slightly polar, at codon 1947 of the TECTA protein (p.Arg1947Cys). This variant is present in population databases (no rsID available, gnomAD 0.007%). This missense change has been observed in individual(s) with nonsyndromic deafness (PMID: 21520338). ClinVar contains an entry for this variant (Variation ID: 449555). Invitae Evidence Modeling of protein sequence and biophysical properties (such as structural, functional, and spatial information, amino acid conservation, physicochemical variation, residue mobility, and thermodynamic stability) has been performed for this missense variant. However, the output from this modeling did not meet the statistical confidence thresholds required to predict the impact of this variant on TECTA protein function. In summary, the available evidence is currently insufficient to determine the role of this variant in disease. Therefore, it has been classified as a Variant of Uncertain Significance.

Blueprint Genetics
Classification: Likely pathogenic for TECTA-related disorders. Last evaluated: 2024-08-12. Review status: criteria provided, single submitter. Criteria: ACMG Guidelines, 2015. Collection method: clinical testing. Allele origin: germline. Affected: yes. Observed: 5 variant alleles.

Laboratory for Molecular Medicine, Mass General Brigham Personalized Medicine
Classification: Uncertain significance. Last evaluated: 2018-09-26. Review status: criteria provided, single submitter. Criteria: LMM Criteria. Collection method: clinical testing. Allele origin: germline. Observed: 2 variant alleles.
Comment: Variant classified as Uncertain Significance - Favor Pathogenic. The p.Arg1947Cy s variant in TECTA has been reported in 2 individual with hearing loss and segre gated with hearing loss in at least 1 family member, with possible additional se gregations mentioned, but not specified, in one publication (Hildebrand 2011, LM M data). It has been identified in 1/15010 European chromosomes by the Genome A ggregation Database (gnomAD). This variant has also been reported in ClinVar (Variation ID 449555). Computational prediction t ools and conservation analysis suggest that the p.Arg1947Cys variant may impact the protein, though this information is not predictive enough to determine patho genicity. In summary, while there is some suspicion for a pathogenic role, the c linical significance of this variant is uncertain. ACMG/AMP Criteria applied: PS 4_Supporting, PP3, PM2.

Literature cited by the submitters: PubMed 21520338 (cited by Labcorp Genetics (formerly Invitae), Labcorp and Laboratory for Molecular Medicine, Mass General Brigham Personalized Medicine).